The following is an entry in ClinVar:

ClinVar aggregate classification (germline): Benign/Likely benign. Review status: criteria provided, multiple submitters, no conflicts (2 of 4 stars). 6 submissions from 6 submitters: Benign (3); Likely benign (3). Last evaluated 2026-01-27.

Conditions:
Collagen 6-related myopathy. Identifiers: MedGen CN117976, MONDO:0100225.
Bethlem myopathy 1A. Also called: MYOPATHY, BENIGN CONGENITAL, WITH CONTRACTURES; Bethlem myopathy 1; Bethlem Muscular Dystrophy. Identifiers: Orphanet 610, MedGen CN029274, MONDO:0024530, OMIM 158810.

Allele frequency attached by ClinVar (database versions not stated): ESP Exome Variant Server 0.00355; TOPMed 0.00480; gnomAD 0.00488; 1000 Genomes Project 0.00639; 1000 Genomes Project 30x 0.00703.
gnomAD v4.1: 1,381 of 1,547,322 alleles (0.089%); highest among the groups gnomAD compares: African/African-American, 1.6%; 14 homozygotes.

Submissions (6):

Labcorp Genetics (formerly Invitae), Labcorp
Classification: Benign for Bethlem myopathy 1A. Last evaluated: 2026-01-27. Review status: criteria provided, single submitter. Criteria: Invitae Variant Classification Sherloc (09022015). Collection method: clinical testing. Allele origin: germline.

Blueprint Genetics
Classification: Likely benign. Last evaluated: 2024-09-02. Review status: criteria provided, single submitter. Criteria: ACMG Guidelines, 2015. Collection method: clinical testing. Allele origin: germline.

GeneDx
Classification: Benign. Last evaluated: 2018-09-18. Review status: criteria provided, single submitter. Criteria: GeneDx Variant Classification Process June 2021. Collection method: clinical testing. Allele origin: germline. Affected: yes.

Illumina Laboratory Services, Illumina
Classification: Benign for Collagen VI-related myopathy. Last evaluated: 2018-01-13. Review status: criteria provided, single submitter. Criteria: ICSL Variant Classification Criteria 13 December 2019. Collection method: clinical testing. Allele origin: germline.
Comment: This variant was observed in the ICSL laboratory as part of a predisposition screen in an ostensibly healthy population. It had not been previously curated by ICSL or reported in the Human Gene Mutation Database (HGMD: prior to June 1st, 2018), and was therefore a candidate for classification through an automated scoring system. Utilizing variant allele frequency, disease prevalence and penetrance estimates, and inheritance mode, an automated score was calculated to assess if this variant is too frequent to cause the disease. Based on the score and internal cut-off values, a variant classified as benign is not then subjected to further curation. The score for this variant resulted in a classification of benign for this disease.

Breakthrough Genomics
Classification: Likely benign. Review status: criteria provided, single submitter. Criteria: ACMG Guidelines, 2015. Collection method: not provided. Allele origin: germline. Inheritance: Autosomal recessive inheritance. Affected: yes.

PreventionGenetics, part of Exact Sciences
Classification: Likely benign. Review status: criteria provided, single submitter. Criteria: ACMG Guidelines, 2015. Collection method: clinical testing. Allele origin: germline.

NM_001848.3(COL6A1):c.579C>T (p.Pro193=)

Gene: COL6A1 (collagen type VI alpha 1 chain; plus strand). Cytogenetic location: 21q22.3.
Variant type: single nucleotide variant.
Coding change: c.579C>T on transcript NM_001848.3 (MANE Select); coding-DNA position 579, C replaced by T.
Protein change: p.Pro193=; no amino-acid change (proline 193 retained).
Molecular consequence: synonymous variant.
Genome position (GRCh38, 1-based): chr21:45,986,676, C>T. VCF-style: chr21-45986676-C-T. GRCh37 (hg19) VCF-style: chr21-47406590-C-T.
Identifiers: ClinVar variation 258303 (VCV000258303.19), dbSNP rs61751027, ClinGen allele CA10069604.